The following is an entry in ClinVar:

ClinVar aggregate classification (germline): Uncertain significance (1 of 4 stars; one submission).

Allele frequency attached by ClinVar (database versions not stated): gnomAD 0.00001.
gnomAD v4.1: 1 of 1,613,980 alleles (0.000062%); highest among the groups gnomAD compares: Admixed American, 0.0017%; no homozygotes.

Submission:

Labcorp Genetics (formerly Invitae), Labcorp
Classification: Uncertain significance. Last evaluated: 2023-10-09. Review status: criteria provided, single submitter. Criteria: Invitae Variant Classification Sherloc (09022015). Collection method: clinical testing. Allele origin: germline.
Comment: This sequence change replaces serine, which is neutral and polar, with alanine, which is neutral and non-polar, at codon 979 of the ADGRA3 protein (p.Ser979Ala). This variant is not present in population databases (gnomAD no frequency). This variant has not been reported in the literature in individuals affected with ADGRA3-related conditions. An algorithm developed to predict the effect of missense changes on protein structure and function (PolyPhen-2) suggests that this variant is likely to be tolerated. In summary, the available evidence is currently insufficient to determine the role of this variant in disease. Therefore, it has been classified as a Variant of Uncertain Significance.

NM_145290.4(ADGRA3):c.2935T>G (p.Ser979Ala)

Gene: ADGRA3 (adhesion G protein-coupled receptor A3; minus strand). Cytogenetic location: 4p15.2.
Variant type: single nucleotide variant.
Coding change: c.2935T>G on transcript NM_145290.4 (MANE Select); coding-DNA position 2935, T replaced by G.
Protein change: p.Ser979Ala; replaces serine 979 with alanine.
Molecular consequence: missense variant.
Genome position (GRCh38, 1-based): chr4:22,388,736, A>C on the plus strand (T>G on the coding strand, the complement: ADGRA3 is on the minus strand). VCF-style: chr4-22388736-A-C. GRCh37 (hg19) VCF-style: chr4-22390359-A-C.
Other names: short protein forms S979A.
Identifiers: ClinVar variation 2715274 (VCV002715274.3), dbSNP rs1713963186, ClinGen allele CA356474520.